The following is an entry in ClinVar:

ClinVar aggregate classification (germline): Pathogenic. Review status: criteria provided, multiple submitters, no conflicts (2 of 4 stars). 3 submissions from 3 submitters: Pathogenic (3). Last evaluated 2021-07-15.

Conditions:
Hereditary cancer-predisposing syndrome. Also called: Hereditary neoplastic syndrome; Tumor predisposition; Neoplastic Syndromes, Hereditary; Hereditary Cancer Syndrome. Identifiers: Orphanet 140162, MedGen C0027672, MeSH D009386, MONDO:0015356.
Peutz-Jeghers syndrome (PJS). Also called: Peutz-Jeghers polyposis; Periorificial lentiginosis syndrome; POLYPOSIS, HAMARTOMATOUS INTESTINAL; POLYPS-AND-SPOTS SYNDROME. Identifiers: Orphanet 2869, MedGen C0031269, MeSH D010580, MONDO:0008280, OMIM 175200.

Submissions (3):

Genome-Nilou Lab
Classification: Pathogenic for Peutz-Jeghers syndrome. Last evaluated: 2021-07-15. Review status: criteria provided, single submitter. Criteria: ACMG Guidelines, 2015. Collection method: clinical testing. Allele origin: germline. Affected: no.

Mendelics
Classification: Pathogenic for Peutz-Jeghers syndrome. Last evaluated: 2019-05-28. Review status: criteria provided, single submitter. Criteria: Mendelics Assertion Criteria 2017. Collection method: clinical testing. Allele origin: unknown.

Ambry Genetics
Classification: Pathogenic for Hereditary cancer-predisposing syndrome. Last evaluated: 2014-09-12. Review status: criteria provided, single submitter. Criteria: Ambry Autosomal Dominant and X-Linked criteria (10/2015). Collection method: clinical testing. Allele origin: germline. Observed: 1 variant allele.
Comment: This alteration is expected to result in loss of function by premature protein truncation or nonsense-mediatedâ€¯mRNAâ€¯decay.â€¯As such, this alteration is interpreted as a disease-causing mutation.

NM_000455.5(STK11):c.843dup (p.Leu282fs)

Gene: STK11 (serine/threonine kinase 11; plus strand). Cytogenetic location: 19p13.3.
Variant type: Duplication.
Coding change: c.843dup on transcript NM_000455.5 (MANE Select); coding-DNA position 843, one base duplicated (G; older notation c.843dupG).
Protein change: p.Leu282fs; shifts the reading frame from leucine 282.
Molecular consequence: frameshift variant.
Genome position (GRCh38, 1-based): chr19:1,221,321, G duplicated. VCF-style (leftmost placement, unchanged base first): chr19-1221320-C-CG. GRCh37 (hg19) VCF-style: chr19-1221319-C-CG.
Other names: c.843dupG (NM_000455.4); short protein forms L282fs.
Identifiers: ClinVar variation 428786 (VCV000428786.6), dbSNP rs1131690949, ClinGen allele CA645369779.